The following is an entry in ClinVar:

ClinVar aggregate classification (germline): Uncertain significance. Review status: criteria provided, multiple submitters, no conflicts (2 of 4 stars). 2 submissions from 2 submitters: Uncertain significance (2). Last evaluated 2024-11-09.

Conditions:
Inborn genetic diseases. Identifiers: MedGen C0950123, MeSH D030342.

gnomAD v4.1: 6 of 1,609,672 alleles (0.00037%); highest among the groups gnomAD compares: African/African-American, 0.0053%; no homozygotes.

Submissions (2):

Ambry Genetics
Classification: Uncertain significance for Inborn genetic diseases. Last evaluated: 2024-11-09. Review status: criteria provided, single submitter. Criteria: Ambry Variant Classification Scheme 2023. Collection method: clinical testing. Allele origin: germline.

Mayo Clinic Laboratories, Mayo Clinic
Classification: Uncertain significance. Last evaluated: 2024-04-10. Review status: criteria provided, single submitter. Criteria: ACMG Guidelines, 2015. Collection method: clinical testing. Allele origin: germline. Observed: 1 variant allele.
Comment: PM2

Literature cited by the submitters: PubMed 17000000 (cited by Mayo Clinic Laboratories, Mayo Clinic); PubMed 19365580 (cited by Mayo Clinic Laboratories, Mayo Clinic); PubMed 37744338 (cited by Mayo Clinic Laboratories, Mayo Clinic).

NM_030787.4(CFHR5):c.1541T>C (p.Met514Thr)

Gene: CFHR5 (complement factor H related 5; plus strand). Cytogenetic location: 1q31.3.
Variant type: single nucleotide variant.
Coding change: c.1541T>C on transcript NM_030787.4 (MANE Select); coding-DNA position 1541, T replaced by C.
Protein change: p.Met514Thr; replaces methionine 514 with threonine.
Molecular consequence: missense variant.
Genome position (GRCh38, 1-based): chr1:197,008,514, T>C. VCF-style: chr1-197008514-T-C. GRCh37 (hg19) VCF-style: chr1-196977644-T-C.
Other names: p.Met514Thr; short protein forms M514T.
Identifiers: ClinVar variation 3380478 (VCV003380478.2).
Genomic context (GRCh38, chr1:197,008,514, plus strand): 5'-TTATTTATTTTATTTTACCATTTCTTCTTTCAGATCCATGTGTGGTATCTGAAGAAAACA[T>C]GAACAAAAATAACATACAGTTAAAATGGAGAAACGATGGAAAACTCTATGCAAAAACAGG-3'
Protein context (NP_110414.1, residues 504-524): LDPCVVSEEN[Met514Thr]NKNNIQLKWR